The following is an entry in ClinVar:

ClinVar aggregate classification (germline): Conflicting classifications of pathogenicity. Review status: criteria provided, conflicting classifications (1 of 4 stars). 3 submissions from 3 submitters: Uncertain significance (2); Likely benign (1). Last evaluated 2026-05-13.

Conditions:
FG syndrome (FGS). Identifiers: MedGen C0220769, MONDO:0002010.
Familial thoracic aortic aneurysm and aortic dissection (TAAD). Also called: Thoracic aortic aneurysms and dissections. Identifiers: Orphanet 91387, MedGen C4707243, MONDO:0019625.

gnomAD v4.1: 1 of 1,209,678 alleles (0.000083%); highest among the groups gnomAD compares: Non-Finnish European, 0.00011%; no homozygotes.

Submissions (3):

Ambry Genetics
Classification: Likely benign for Familial thoracic aortic aneurysm and aortic dissection. Last evaluated: 2026-05-13. Review status: criteria provided, single submitter. Criteria: Ambry Variant Classification Scheme 2023. Collection method: clinical testing. Allele origin: germline.

Labcorp Genetics (formerly Invitae), Labcorp
Classification: Uncertain significance for FG syndrome. Last evaluated: 2023-12-22. Review status: criteria provided, single submitter. Criteria: Invitae Variant Classification Sherloc (09022015). Collection method: clinical testing. Allele origin: germline.
Comment: This sequence change replaces threonine, which is neutral and polar, with alanine, which is neutral and non-polar, at codon 2013 of the MED12 protein (p.Thr2013Ala). This variant is not present in population databases (gnomAD no frequency). This variant has not been reported in the literature in individuals affected with MED12-related conditions. ClinVar contains an entry for this variant (Variation ID: 937928). Advanced modeling of protein sequence and biophysical properties (such as structural, functional, and spatial information, amino acid conservation, physicochemical variation, residue mobility, and thermodynamic stability) performed at Invitae indicates that this missense variant is not expected to disrupt MED12 protein function with a negative predictive value of 95%. In summary, the available evidence is currently insufficient to determine the role of this variant in disease. Therefore, it has been classified as a Variant of Uncertain Significance.

CeGaT Center for Human Genetics Tuebingen
Classification: Uncertain significance. Last evaluated: 2022-07-01. Review status: criteria provided, single submitter. Criteria: CeGaT Center For Human Genetics Tuebingen Variant Classification Criteria Version 2. Collection method: clinical testing. Allele origin: germline. Affected: yes. Observed: 1 variant allele.
Comment: MED12: PM2

NM_005120.3(MED12):c.6037A>G (p.Thr2013Ala)

Gene: MED12 (mediator complex subunit 12; plus strand). Cytogenetic location: Xq13.1.
Variant type: single nucleotide variant.
Coding change: c.6037A>G on transcript NM_005120.3 (MANE Select); coding-DNA position 6037, A replaced by G.
Protein change: p.Thr2013Ala; replaces threonine 2013 with alanine.
Molecular consequence: missense variant.
Genome position (GRCh38, 1-based): chrX:71,137,936, A>G. VCF-style: chrX-71137936-A-G. GRCh37 (hg19) VCF-style: chrX-70357786-A-G.
Other names: short protein forms T2013A.
Identifiers: ClinVar variation 937928 (VCV000937928.35), dbSNP rs777453338, ClinGen allele CA413539612.